The following is an entry in ClinVar:

ClinVar aggregate classification (germline): Uncertain significance (1 of 4 stars; one submission).

Conditions:
Amyotrophic lateral sclerosis type 4 (ALS4). Also called: AMYOTROPHIC LATERAL SCLEROSIS 4, JUVENILE; NEURONOPATHY, DISTAL HEREDITARY MOTOR, WITH PYRAMIDAL FEATURES. Identifiers: Orphanet 357043, MedGen C1865409, MONDO:0011223, OMIM 602433.
Spinocerebellar ataxia, autosomal recessive, with axonal neuropathy 2 (SCAN2). Also called: ATAXIA-OCULOMOTOR APRAXIA 2; Ataxia with Oculomotor Apraxia Type 2; Ataxia-ocular apraxia-2; Ataxia with Oculomotor Apraxia. Identifiers: Orphanet 64753, MedGen C1853761, MONDO:0018996, OMIM 606002.

Submission:

Labcorp Genetics (formerly Invitae), Labcorp
Classification: Uncertain significance for Amyotrophic lateral sclerosis type 4; Spinocerebellar ataxia, autosomal recessive, with axonal neuropathy 2. Last evaluated: 2024-05-06. Review status: criteria provided, single submitter. Criteria: Invitae Variant Classification Sherloc (09022015). Collection method: clinical testing. Allele origin: germline.
Comment: This sequence change replaces isoleucine, which is neutral and non-polar, with phenylalanine, which is neutral and non-polar, at codon 2447 of the SETX protein (p.Ile2447Phe). This variant is not present in population databases (gnomAD no frequency). This variant has not been reported in the literature in individuals affected with SETX-related conditions. Advanced modeling of protein sequence and biophysical properties (such as structural, functional, and spatial information, amino acid conservation, physicochemical variation, residue mobility, and thermodynamic stability) has been performed at Invitae for this missense variant, however the output from this modeling did not meet the statistical confidence thresholds required to predict the impact of this variant on SETX protein function. In summary, the available evidence is currently insufficient to determine the role of this variant in disease. Therefore, it has been classified as a Variant of Uncertain Significance.

NM_015046.7(SETX):c.7339A>T (p.Ile2447Phe)

Gene: SETX (senataxin; minus strand). Cytogenetic location: 9q34.13.
Variant type: single nucleotide variant.
Coding change: c.7339A>T on transcript NM_015046.7 (MANE Select); coding-DNA position 7339, A replaced by T.
Protein change: p.Ile2447Phe; replaces isoleucine 2447 with phenylalanine.
Molecular consequence: missense variant.
Genome position (GRCh38, 1-based): chr9:132,264,934, T>A on the plus strand (A>T on the coding strand, the complement: SETX is on the minus strand). VCF-style: chr9-132264934-T-A. GRCh37 (hg19) VCF-style: chr9-135140321-T-A.
Other names: c.7339A>T, p.Ile2447Phe (NM_001351527.2); c.7426A>T, p.Ile2476Phe (NM_001351528.2); short protein forms I2447F, I2476F.
Identifiers: ClinVar variation 3753486 (VCV003753486.2).
Genomic context (GRCh38, chr9:132,264,934, plus strand): 5'-GCTTGAGTTTCAGAATCTTCACTGCATCATGTCTATAGTTTTTGTCACAGGTCTTAATAA[T>A]GGCACCACGCTTCTGAGCATCCTGAATCAGCTGATTCCAATGCTGGTTTTCCTTGAAACA-3'
Protein context (NP_055861.3, residues 2437-2457): LIQDAQKRGA[Ile2447Phe]IKTCDKNYRH